The following is an entry in ClinVar:

ClinVar aggregate classification (germline): Benign/Likely benign. Review status: criteria provided, multiple submitters, no conflicts (2 of 4 stars). 3 submissions from 3 submitters: Benign (1); Likely benign (2). Last evaluated 2025-02-28.

Conditions:
Mitochondrial complex II deficiency, nuclear type 1. Also called: SUCCINATE CoQ REDUCTASE DEFICIENCY. Identifiers: Orphanet 3208, MedGen C5700310, MONDO:0100294, OMIM 252011.
Pheochromocytoma/paraganglioma syndrome 5. Also called: Paragangliomas 5; SDHA-Related Hereditary Paraganglioma-Pheochromocytoma Syndrome. Identifiers: Orphanet 29072, MedGen C3279992, MONDO:0013602, OMIM 614165.
Hereditary cancer-predisposing syndrome. Also called: Neoplastic Syndromes, Hereditary; Hereditary Cancer Syndrome; Hereditary neoplastic syndrome; Tumor predisposition. Identifiers: Orphanet 140162, MedGen C0027672, MeSH D009386, MONDO:0015356.

Submissions (3):

Myriad Genetics, Inc.
Classification: Benign for Pheochromocytoma/paraganglioma syndrome 5. Last evaluated: 2025-02-28. Review status: criteria provided, single submitter. Criteria: Myriad Autosomal Dominant, Autosomal Recessive and X-Linked Classification Criteria (2023). Collection method: clinical testing. Allele origin: unknown.
Comment: This variant is considered benign. This variant is a silent/synonymous amino acid change and it is not expected to impact splicing.

Labcorp Genetics (formerly Invitae), Labcorp
Classification: Likely benign for Pheochromocytoma/paraganglioma syndrome 5; Mitochondrial complex II deficiency, nuclear type 1. Last evaluated: 2024-07-03. Review status: criteria provided, single submitter. Criteria: Invitae Variant Classification Sherloc (09022015). Collection method: clinical testing. Allele origin: germline.

Ambry Genetics
Classification: Likely benign for Hereditary cancer-predisposing syndrome. Last evaluated: 2024-06-29. Review status: criteria provided, single submitter. Criteria: Ambry Variant Classification Scheme 2023. Collection method: clinical testing. Allele origin: germline.

NM_004168.4(SDHA):c.48G>A (p.Leu16=)

Gene: SDHA (succinate dehydrogenase complex flavoprotein subunit A; plus strand). Cytogenetic location: 5p15.33.
Variant type: single nucleotide variant.
Coding change: c.48G>A on transcript NM_004168.4 (MANE Select); coding-DNA position 48, G replaced by A.
Protein change: p.Leu16=; no amino-acid change (leucine 16 retained).
Molecular consequence: synonymous variant.
Genome position (GRCh38, 1-based): chr5:218,403, G>A. VCF-style: chr5-218403-G-A. GRCh37 (hg19) VCF-style: chr5-218518-G-A.
Other names: c.48G>A (NM_004168.2); c.48G>A, p.Leu16= (NM_001294332.2, NM_001330758.2).
Identifiers: ClinVar variation 1499356 (VCV001499356.10), dbSNP rs2126522691, ClinGen allele CA442689564.